The following is an entry in ClinVar:

ClinVar aggregate classification (germline): Uncertain significance (1 of 4 stars; one submission).

Conditions:
Odonto-onycho-dermal dysplasia. Identifiers: Orphanet 2721, MedGen C0796093, MONDO:0009773, OMIM 257980.
Tooth agenesis, selective, 4 (STHAG4). Also called: LATERAL INCISORS, ABSENCE OF; LATERAL INCISORS, PEGGED OR MISSING; SUCCEDANEOUS TEETH, AGENESIS OF; TOOTH AGENESIS, SELECTIVE, 4, WITH OR WITHOUT ECTODERMAL DYSPLASIA. Identifiers: Orphanet 99798, MedGen C1835492, MONDO:0007881, OMIM 150400. Disease mechanism: loss of function.

Submission:

Labcorp Genetics (formerly Invitae), Labcorp
Classification: Uncertain significance for Tooth agenesis, selective, 4; Odonto-onycho-dermal dysplasia. Last evaluated: 2024-12-12. Review status: criteria provided, single submitter. Criteria: Invitae Variant Classification Sherloc (09022015). Collection method: clinical testing. Allele origin: germline.
Comment: This sequence change replaces isoleucine, which is neutral and non-polar, with phenylalanine, which is neutral and non-polar, at codon 300 of the WNT10A protein (p.Ile300Phe). This variant is not present in population databases (gnomAD no frequency). This variant has not been reported in the literature in individuals affected with WNT10A-related conditions. Invitae Evidence Modeling of protein sequence and biophysical properties (such as structural, functional, and spatial information, amino acid conservation, physicochemical variation, residue mobility, and thermodynamic stability) indicates that this missense variant is expected to disrupt WNT10A protein function with a positive predictive value of 80%. In summary, the available evidence is currently insufficient to determine the role of this variant in disease. Therefore, it has been classified as a Variant of Uncertain Significance.

NM_025216.3(WNT10A):c.898A>T (p.Ile300Phe)

Gene: WNT10A (Wnt family member 10A; plus strand). Cytogenetic location: 2q35.
Variant type: single nucleotide variant.
Coding change: c.898A>T on transcript NM_025216.3 (MANE Select); coding-DNA position 898, A replaced by T.
Protein change: p.Ile300Phe; replaces isoleucine 300 with phenylalanine.
Molecular consequence: missense variant.
Genome position (GRCh38, 1-based): chr2:218,892,915, A>T. VCF-style: chr2-218892915-A-T. GRCh37 (hg19) VCF-style: chr2-219757637-A-T.
Other names: short protein forms I300F.
Identifiers: ClinVar variation 3758274 (VCV003758274.2).